The following is an entry in ClinVar:

ClinVar aggregate classification (germline): Pathogenic (1 of 4 stars; one submission).

Conditions:
Polycystic kidney disease, adult type (PKD1). Also called: Polycystic Kidney, Autosomal Dominant; POLYCYSTIC KIDNEY DISEASE 1 WITH OR WITHOUT POLYCYSTIC LIVER DISEASE; POLYCYSTIC KIDNEY DISEASE, ADULT, TYPE I; Polycystic Kidney Disease 1, Autosomal Dominant; Polycystic kidney disease 1; Polycystic kidney disease 1, severe. Identifiers: MedGen C3149841, MONDO:0008263, OMIM 173900.

Submission:

Juno Genomics, Hangzhou Juno Genomics, Inc
Classification: Pathogenic for Polycystic kidney disease, adult type. Review status: criteria provided, single submitter. Criteria: ACMG Guidelines, 2015. Collection method: clinical testing. Allele origin: germline. Affected: yes.
Comment: Absent from controls (or at extremely low frequency if recessive) in Genome Aggregation Database, Exome Sequencing Project, 1000 Genomes Project, or Exome Aggregation Consortium.;Null variant in a gene where loss of function (LOF) is a known mechanism of disease.;Patient's phenotype or family history is highly specific for a disease with a single genetic etiology.

NM_001009944.3(PKD1):c.4896dup (p.Glu1633fs)

Gene: PKD1 (polycystin 1, transient receptor potential channel interacting; minus strand). Cytogenetic location: 16p13.3.
Variant type: Duplication.
Coding change: c.4896dup on transcript NM_001009944.3 (MANE Select); coding-DNA position 4896, one base duplicated (A; older notation c.4896dupA).
Protein change: p.Glu1633fs; shifts the reading frame from glutamic acid 1633.
Molecular consequence: frameshift variant.
Genome position (GRCh38, 1-based): chr16:2,110,271, T duplicated on the plus strand (A on the coding strand, the reverse complement: PKD1 is on the minus strand). VCF-style (leftmost placement, unchanged base first): chr16-2110270-C-CT. GRCh37 (hg19) VCF-style: chr16-2160271-C-CT.
Other names: c.4896dup, p.Glu1633fs (NM_000296.4); short protein forms E1633fs.
Identifiers: ClinVar variation 3335826 (VCV003335826.2).